The following is an entry in ClinVar:

NM_018249.6(CDK5RAP2):c.4963+1G>A

Gene: CDK5RAP2 (CDK5 regulatory subunit associated protein 2; minus strand). Cytogenetic location: 9q33.2.
Variant type: single nucleotide variant.
Coding change: c.4963+1G>A on transcript NM_018249.6 (MANE Select); the canonical splice donor site of the intron after coding-DNA position 4963, G replaced by A.
Molecular consequence: splice donor variant. On other transcripts: intron variant (1).
Genome position (GRCh38, 1-based): chr9:120,407,011, C>T on the plus strand (G>A on the coding strand, the complement: CDK5RAP2 is on the minus strand). VCF-style: chr9-120407011-C-T. GRCh37 (hg19) VCF-style: chr9-123169289-C-T.
Other names: NC_000009.11:g.123169289C>T; c.4273+1G>A (NM_001272039.2); c.4864+1G>A (NM_001410992.1); c.4960+1G>A (NM_001410994.1); c.4867+1G>A (NM_001410993.1); c.4726+1336G>A (NM_001011649.3).
Identifiers: ClinVar variation 1048514 (VCV001048514.5), dbSNP rs760836130, ClinGen allele CA5213419.

ClinVar aggregate classification (germline): Likely pathogenic. Review status: criteria provided, multiple submitters, no conflicts (2 of 4 stars). 2 submissions from 2 submitters: Likely pathogenic (2). Last evaluated 2021-11-26.

Conditions:
Microcephaly 3, primary, autosomal recessive. Identifiers: Orphanet 2512, MedGen C1858108, MONDO:0011488, OMIM 604804.

Allele frequency attached by ClinVar (database versions not stated): gnomAD exomes 0.00002 and 0.00001; gnomAD 0.00001; ExAC 0.00002.
gnomAD v4.1: 9 of 1,608,840 alleles (0.00056%); highest among the groups gnomAD compares: South Asian, 0.0099%; no homozygotes.

Submissions (3):

MGZ Medical Genetics Center
Classification: Likely pathogenic for Microcephaly 3, primary, autosomal recessive. Last evaluated: 2021-11-26. Review status: criteria provided, single submitter. Criteria: ACMG Guidelines, 2015. Collection method: clinical testing. Allele origin: germline. Affected: yes. Observed: 1 variant allele.
Comment: ACMG criteria applied: PVS1_STR, PM2_SUP, PM3_SUP

Dena medical genetics and pathology center
Classification: Likely pathogenic for Microcephaly 3, primary, autosomal recessive. Last evaluated: 2017-10-25. Review status: criteria provided, single submitter. Criteria: ACMG Guidelines, 2015. Collection method: research. Allele origin: germline. Inheritance: Autosomal recessive inheritance. Affected: yes. Observed: 1 variant allele, 1 homozygote.

Dr. Peter K. Rogan Lab, Western University
No classification provided (evidence only). Condition: Cervical cancer. Review status: no classification provided. Collection method: in vitro. Allele origin: not applicable. Functional consequence: skipped exon. Not counted in ClinVar's aggregate classification.